The following is an entry in ClinVar:

ClinVar aggregate classification (germline): Uncertain significance. Review status: criteria provided, multiple submitters, no conflicts (2 of 4 stars). 3 submissions from 3 submitters: Uncertain significance (3). Last evaluated 2022-07-19.

Conditions:
Frontotemporal dementia and/or amyotrophic lateral sclerosis 6 (FTDALS6). Also called: VCP-Related Amyotrophic Lateral Sclerosis; VCP-Related Amyotrophic Lateral Sclerosis/Frontotemporal Dementia. Identifiers: Orphanet 275872, Orphanet 803, MedGen C5436279, MONDO:0013501, OMIM 613954.
Inclusion body myopathy with Paget disease of bone and frontotemporal dementia. Also called: Inclusion body myopathy with early-onset Paget disease and frontotemporal dementia. Identifiers: Orphanet 52430, MedGen C1833662, MONDO:0000507.
Inborn genetic diseases. Identifiers: MedGen C0950123, MeSH D030342.

Submissions (3):

Labcorp Genetics (formerly Invitae), Labcorp
Classification: Uncertain significance for Inclusion body myopathy with Paget disease of bone and frontotemporal dementia; Frontotemporal dementia and/or amyotrophic lateral sclerosis 6. Last evaluated: 2022-07-19. Review status: criteria provided, single submitter. Criteria: Invitae Variant Classification Sherloc (09022015). Collection method: clinical testing. Allele origin: germline.
Comment: This variant is not present in population databases (gnomAD no frequency). This sequence change replaces tyrosine, which is neutral and polar, with cysteine, which is neutral and slightly polar, at codon 134 of the VCP protein (p.Tyr134Cys). In summary, the available evidence is currently insufficient to determine the role of this variant in disease. Therefore, it has been classified as a Variant of Uncertain Significance. Algorithms developed to predict the effect of sequence changes on RNA splicing suggest that this variant may create or strengthen a splice site. Algorithms developed to predict the effect of missense changes on protein structure and function are either unavailable or do not agree on the potential impact of this missense change (SIFT: "Not Available"; PolyPhen-2: "Probably Damaging"; Align-GVGD: "Not Available"). ClinVar contains an entry for this variant (Variation ID: 1000668). This variant has not been reported in the literature in individuals affected with VCP-related conditions.

Revvity Omics, Revvity
Classification: Uncertain significance. Last evaluated: 2021-11-26. Review status: criteria provided, single submitter. Criteria: ACMG Guidelines, 2015. Collection method: clinical testing. Allele origin: germline.

Ambry Genetics
Classification: Uncertain significance for Inborn genetic diseases. Last evaluated: 2020-11-02. Review status: criteria provided, single submitter. Criteria: Ambry Variant Classification Scheme 2023. Collection method: clinical testing. Allele origin: germline.
Comment: The p.Y134C variant (also known as c.401A>G), located in coding exon 4 of the VCP gene, results from an A to G substitution at nucleotide position 401. The tyrosine at codon 134 is replaced by cysteine, an amino acid with highly dissimilar properties. This amino acid position is highly conserved in available vertebrate species. In addition, this alteration is predicted to be deleterious by in silico analysis. Since supporting evidence is limited at this time, the clinical significance of this alteration remains unclear.

NM_007126.5(VCP):c.401A>G (p.Tyr134Cys)

Gene: VCP (valosin containing protein; minus strand). Cytogenetic location: 9p13.3.
Variant type: single nucleotide variant.
Coding change: c.401A>G on transcript NM_007126.5 (MANE Select); coding-DNA position 401, A replaced by G.
Protein change: p.Tyr134Cys; replaces tyrosine 134 with cysteine.
Molecular consequence: missense variant.
Genome position (GRCh38, 1-based): chr9:35,066,719, T>C on the plus strand (A>G on the coding strand, the complement: VCP is on the minus strand). VCF-style: chr9-35066719-T-C. GRCh37 (hg19) VCF-style: chr9-35066716-T-C.
Other names: c.266A>G, p.Tyr89Cys (NM_001354927.2, NM_001354928.2); short protein forms Y134C, Y89C.
Identifiers: ClinVar variation 1000668 (VCV001000668.13), dbSNP rs1828840466, ClinGen allele CA373291813.